The following is an entry in ClinVar:

ClinVar aggregate classification (germline): Uncertain significance (1 of 4 stars; one submission).

Submission:

Women's Health and Genetics/Laboratory Corporation of America, LabCorp
Classification: Uncertain significance. Last evaluated: 2025-07-24. Review status: criteria provided, single submitter. Criteria: LabCorp Variant Classification Summary - May 2015. Collection method: clinical testing. Allele origin: germline.
Comment: Variant summary: CLCN2 c.2347G>C (p.Val783Leu) results in a conservative amino acid change in the encoded protein sequence. Algorithms developed to predict the effect of missense changes on protein structure and function are either unavailable or do not agree on the potential impact of this missense change. The variant was absent in 251424 control chromosomes. The available data on variant occurrences in the general population are insufficient to allow any conclusion about variant significance. To our knowledge, no occurrence of c.2347G>C in individuals affected with CLCN2-Related Disorders and no experimental evidence demonstrating its impact on protein function have been reported. No submitters have cited clinical-significance assessments for this variant to ClinVar. Based on the evidence outlined above, the variant was classified as uncertain significance.

NM_004366.6(CLCN2):c.2347G>C (p.Val783Leu)

Gene: CLCN2 (chloride voltage-gated channel 2; minus strand). Cytogenetic location: 3q27.1.
Variant type: single nucleotide variant.
Coding change: c.2347G>C on transcript NM_004366.6 (MANE Select); coding-DNA position 2347, G replaced by C.
Protein change: p.Val783Leu; replaces valine 783 with leucine.
Molecular consequence: missense variant.
Genome position (GRCh38, 1-based): chr3:184,352,081, C>G on the plus strand (G>C on the coding strand, the complement: CLCN2 is on the minus strand). VCF-style: chr3-184352081-C-G. GRCh37 (hg19) VCF-style: chr3-184069869-C-G.
Other names: c.2296G>C, p.Val766Leu (NM_001171087.3); c.2215G>C, p.Val739Leu (NM_001171088.3); c.2347G>C, p.Val783Leu (NM_001171089.3); short protein forms V766L, V783L, V739L.
Identifiers: ClinVar variation 4526224 (VCV004526224.1).